The following is an entry in ClinVar:

ClinVar aggregate classification (germline): Pathogenic/Likely pathogenic. Review status: criteria provided, multiple submitters, no conflicts (2 of 4 stars). 6 submissions from 6 submitters: Pathogenic (2); Likely pathogenic (2). 2 of the submissions do not count toward it. Last evaluated 2023-05-31.

Conditions:
Autosomal recessive distal spinal muscular atrophy 1. Also called: NEURONOPATHY, DISTAL HEREDITARY MOTOR, HARDING TYPE VI; NEUROPATHY, DISTAL HEREDITARY MOTOR, AUTOSOMAL RECESSIVE 1; Spinal muscular atrophy with respiratory distress 1; HMN VI; NEURONOPATHY, SEVERE INFANTILE AXONAL, WITH RESPIRATORY FAILURE; SEVERE INFANTILE AXONAL NEUROPATHY WITH RESPIRATORY FAILURE. Identifiers: Orphanet 98920, MedGen C1858517, MONDO:0011436, OMIM 604320.
Charcot-Marie-Tooth disease axonal type 2S. Also called: CHARCOT-MARIE-TOOTH DISEASE, AXONAL, AUTOSOMAL RECESSIVE, TYPE 2S; CHARCOT-MARIE-TOOTH NEUROPATHY, TYPE 2S. Identifiers: Orphanet 443073, MedGen C4015349, MONDO:0014511, OMIM 616155.

Allele frequency attached by ClinVar (database versions not stated): gnomAD exomes below 0.00001; TOPMed 0.00001.
gnomAD v4.1: 1 of 1,614,086 alleles (0.000062%); highest among the groups gnomAD compares: Non-Finnish European, 0.000085%; no homozygotes.

Submissions (6):

Labcorp Genetics (formerly Invitae), Labcorp
Classification: Pathogenic for Autosomal recessive distal spinal muscular atrophy 1; Charcot-Marie-Tooth disease axonal type 2S. Last evaluated: 2023-05-31. Review status: criteria provided, single submitter. Criteria: Invitae Variant Classification Sherloc (09022015). Collection method: clinical testing. Allele origin: germline.
Comment: This sequence change replaces histidine, which is basic and polar, with arginine, which is basic and polar, at codon 213 of the IGHMBP2 protein (p.His213Arg). Advanced modeling of protein sequence and biophysical properties (such as structural, functional, and spatial information, amino acid conservation, physicochemical variation, residue mobility, and thermodynamic stability) has been performed at Invitae for this missense variant, however the output from this modeling did not meet the statistical confidence thresholds required to predict the impact of this variant on IGHMBP2 protein function. For these reasons, this variant has been classified as Pathogenic. This variant is not present in population databases (gnomAD no frequency). This missense change has been observed in individual(s) with spinal muscular atrophy with respiratory distress (PMID: 11528396). It has also been observed to segregate with disease in related individuals. ClinVar contains an entry for this variant (Variation ID: 9113).

Revvity Omics, Revvity
Classification: Likely pathogenic. Last evaluated: 2023-03-15. Review status: criteria provided, single submitter. Criteria: ACMG Guidelines, 2015. Collection method: clinical testing. Allele origin: germline.

3billion
Classification: Pathogenic for Charcot-Marie-Tooth disease axonal type 2S. Last evaluated: 2022-01-03. Review status: criteria provided, single submitter. Criteria: ACMG Guidelines, 2015. Collection method: clinical testing. Allele origin: germline. Affected: yes. Observed: 1 homozygote.
Comment: Same nucleotide change resulting in same amino acid change has been previously reported as pathogenic/likely pathogenic with strong evidence (ClinVar ID: VCV000009113, PMID:11528396, PS1_S). The variant has been reported to be in trans as homozygous in at least one similarly affected unrelated individual (PMID: 11528396,PM3_P). It was co-segregated with Charcot-Marie-Tooth disease, axonal, type 2S in multiple affected family members with additional meioses meeting moderate evidence levels (PMID: 11528396, PP1_M). In silico tool predictions suggest damaging effect of the variant on gene or gene product (REVEL: 0.931, 3CNET: 0.887, PP3_P). It is not observed in the gnomAD v2.1.1 dataset (PM2_M). Therefore, this variant is classified as pathogenic according to the recommendation of ACMG/AMP guideline.

Suna and Inan Kirac Foundation Neurodegeneration Research Laboratory, Koc University
Classification: Likely pathogenic for Autosomal recessive distal spinal muscular atrophy 1. Last evaluated: 2020-03-31. Review status: criteria provided, single submitter. Criteria: ACMG Guidelines, 2015. Collection method: research. Allele origin: germline. Affected: yes. Observed: 1 variant allele.

Institute of Human Genetics, Cologne University
Classification: Pathogenic for Charcot-Marie-Tooth disease axonal type 2S. Last evaluated: 2018-04-25. Review status: no assertion criteria provided. Collection method: clinical testing. Allele origin: germline. Affected: yes. Not counted in ClinVar's aggregate classification.

OMIM
Classification: Pathogenic for NEURONOPATHY, DISTAL HEREDITARY MOTOR, AUTOSOMAL RECESSIVE 1. Last evaluated: 2001-09-01. Review status: no assertion criteria provided. Collection method: literature only. Allele origin: germline. Not counted in ClinVar's aggregate classification.

Literature cited by the submitters: PubMed 11528396 (cited by 3 submitters).

NM_002180.3(IGHMBP2):c.638A>G (p.His213Arg)

Gene: IGHMBP2 (immunoglobulin mu DNA binding protein 2; plus strand). Cytogenetic location: 11q13.3.
Variant type: single nucleotide variant.
Coding change: c.638A>G on transcript NM_002180.3 (MANE Select); coding-DNA position 638, A replaced by G.
Protein change: p.His213Arg; replaces histidine 213 with arginine.
Molecular consequence: missense variant.
Genome position (GRCh38, 1-based): chr11:68,911,530, A>G. VCF-style: chr11-68911530-A-G. GRCh37 (hg19) VCF-style: chr11-68678998-A-G.
Other names: short protein forms H213R.
Identifiers: ClinVar variation 9113 (VCV000009113.10), dbSNP rs137852666, ClinGen allele CA254644.